The following is an entry in ClinVar:

ClinVar aggregate classification (germline): Likely pathogenic (1 of 4 stars; one submission).

Conditions:
Mitochondrial complex I deficiency, nuclear type 5. Also called: Mitochondrial complex 1 deficiency, nuclear type 5. Identifiers: MedGen C4748754, MONDO:0032610, OMIM 618226.

Submission:

Juno Genomics, Hangzhou Juno Genomics, Inc
Classification: Likely pathogenic for Mitochondrial complex I deficiency, nuclear type 5. Review status: criteria provided, single submitter. Criteria: ACMG Guidelines, 2015. Collection method: clinical testing. Allele origin: germline.
Comment: Null variant in a gene where loss of function (LOF) is a known mechanism of disease.;Absent from controls (or at extremely low frequency if recessive) in Genome Aggregation Database.

NM_005006.7(NDUFS1):c.1393-1G>C

Gene: NDUFS1 (NADH:ubiquinone oxidoreductase core subunit S1; minus strand). Cytogenetic location: 2q33.3.
Variant type: single nucleotide variant.
Coding change: c.1393-1G>C on transcript NM_005006.7 (MANE Select); the canonical splice acceptor site of the intron before coding-DNA position 1393, G replaced by C.
Molecular consequence: splice acceptor variant.
Genome position (GRCh38, 1-based): chr2:206,133,106, C>G on the plus strand (G>C on the coding strand, the complement: NDUFS1 is on the minus strand). VCF-style: chr2-206133106-C-G. GRCh37 (hg19) VCF-style: chr2-206997830-C-G.
Other names: c.1060-1G>C (NM_001199982.2); c.1222-1G>C (NM_001199983.2); c.1285-1G>C (NM_001199981.2); c.1435-1G>C (NM_001199984.2).
Identifiers: ClinVar variation 5006192 (VCV005006192.2).